The following is an entry in ClinVar:

ClinVar aggregate classification (germline): Uncertain significance (1 of 4 stars; one submission).

gnomAD v4.1: 16 of 1,223,348 alleles (0.0013%); highest among the groups gnomAD compares: Admixed American, 0.022%; no homozygotes.

Submission:

GeneDx
Classification: Uncertain significance. Last evaluated: 2026-03-13. Review status: criteria provided, single submitter. Criteria: GeneDx Variant Classification Process June 2021. Collection method: clinical testing. Allele origin: germline.
Comment: In silico analysis suggests that this missense variant does not alter protein structure/function; Has not been previously published as pathogenic or benign to our knowledge; Reported using an alternate transcript of the gene

NM_004309.6(ARHGDIA):c.*107G>A

Gene: ARHGDIA (Rho GDP dissociation inhibitor alpha; minus strand). Cytogenetic location: 17q25.3.
Variant type: single nucleotide variant.
Coding change: c.*107G>A on transcript NM_004309.6 (MANE Select); 107 bases downstream of the stop codon, G replaced by A.
Molecular consequence: 3 prime UTR variant. On other transcripts: missense variant (1), non-coding transcript variant (1), intron variant (2).
Genome position (GRCh38, 1-based): chr17:81,868,769, C>T on the plus strand (G>A on the coding strand, the complement: ARHGDIA is on the minus strand). VCF-style: chr17-81868769-C-T. GRCh37 (hg19) VCF-style: chr17-79826645-C-T.
Other names: c.*107G>A (NM_001185077.3, NM_001185078.3, NM_001301243.2); c.610G>A, p.Val204Met (NM_001301242.2); c.503-185G>A (NM_001301240.2, NM_001301241.2); short protein forms V204M.
Identifiers: ClinVar variation 5008590 (VCV005008590.1).